The following is an entry in ClinVar:

ClinVar aggregate classification (germline): Pathogenic (1 of 4 stars; one submission).

Conditions:
Fructose-biphosphatase deficiency (FBP1D). Also called: Fructose-1,6-Diphosphatase Deficiency; Fructose 1,6 Bisphosphatase Deficiency; Fructose-1,6-Bisphosphatase 1 Deficiency. Identifiers: Orphanet 348, MedGen C0016756, MONDO:0009251, OMIM 229700.

Allele frequency attached by ClinVar (database versions not stated): TOPMed below 0.00001.

Submission:

Labcorp Genetics (formerly Invitae), Labcorp
Classification: Pathogenic for Fructose-biphosphatase deficiency. Last evaluated: 2025-07-28. Review status: criteria provided, single submitter. Criteria: Invitae Variant Classification Sherloc (09022015). Collection method: clinical testing. Allele origin: germline.
Comment: This sequence change creates a premature translational stop signal (p.Tyr241*) in the FBP1 gene. It is expected to result in an absent or disrupted protein product. Loss-of-function variants in FBP1 are known to be pathogenic (PMID: 9382095, 19259699, 27101822). This variant is not present in population databases (gnomAD no frequency). This variant has not been reported in the literature in individuals affected with FBP1-related conditions. ClinVar contains an entry for this variant (Variation ID: 2875401). For these reasons, this variant has been classified as Pathogenic.

Literature cited by the submitters: PubMed 9382095; PubMed 19259699; PubMed 27101822.

NM_000507.4(FBP1):c.723T>G (p.Tyr241Ter)

Gene: FBP1 (fructose-bisphosphatase 1; minus strand). Cytogenetic location: 9q22.32.
Variant type: single nucleotide variant.
Coding change: c.723T>G on transcript NM_000507.4 (MANE Select); coding-DNA position 723, T replaced by G.
Protein change: p.Tyr241Ter; replaces tyrosine 241 with a stop codon.
Molecular consequence: nonsense.
Genome position (GRCh38, 1-based): chr9:94,605,559, A>C on the plus strand (T>G on the coding strand, the complement: FBP1 is on the minus strand). VCF-style: chr9-94605559-A-C. GRCh37 (hg19) VCF-style: chr9-97367841-A-C.
Other names: c.723T>G, p.Tyr241Ter (NM_001127628.2); short protein forms Y241*.
Identifiers: ClinVar variation 2875401 (VCV002875401.3), dbSNP rs764292673, ClinGen allele CA374106519.